The following is an entry in ClinVar:

NM_001130987.2(DYSF):c.4261G>A (p.Val1421Ile)

Gene: DYSF (dysferlin; plus strand). Cytogenetic location: 2p13.2.
Variant type: single nucleotide variant.
Coding change: c.4261G>A on transcript NM_001130987.2 (MANE Select); coding-DNA position 4261, G replaced by A.
Protein change: p.Val1421Ile; replaces valine 1421 with isoleucine.
Molecular consequence: missense variant.
Genome position (GRCh38, 1-based): chr2:71,612,680, G>A. VCF-style: chr2-71612680-G-A. GRCh37 (hg19) VCF-style: chr2-71839810-G-A.
Other names: c.4210G>A, p.Val1404Ile (NM_001130455.2, NM_001130983.2); c.4165G>A, p.Val1389Ile (NM_001130976.2, NM_001130977.2); c.4207G>A, p.Val1403Ile (NM_001130978.2, NM_003494.4); c.4300G>A, p.Val1434Ile (NM_001130979.2); c.4258G>A, p.Val1420Ile (NM_001130980.2, NM_001130981.2); c.4303G>A, p.Val1435Ile (NM_001130982.2); c.4168G>A, p.Val1390Ile (NM_001130984.2, NM_001130986.2); c.4261G>A, p.Val1421Ile (NM_001130985.2); short protein forms V1403I, V1421I, V1389I, V1390I, V1404I, V1420I, V1434I, V1435I.
Identifiers: ClinVar variation 501040 (VCV000501040.58), dbSNP rs767049254, ClinGen allele CA1706946.

ClinVar aggregate classification (germline): Conflicting classifications of pathogenicity. Review status: criteria provided, conflicting classifications (1 of 4 stars). 6 submissions from 6 submitters: Uncertain significance (4); Likely benign (2). Last evaluated 2025-12-09.

Conditions:
Neuromuscular disease caused by qualitative or quantitative defects of dysferlin. Also called: Qualitative or quantitative defects of dysferlin; Dysferlinopathy. Identifiers: Orphanet 207073, MedGen C2931687, MONDO:0016145.
Distal myopathy with anterior tibial onset. Identifiers: Orphanet 178400, MedGen C1847532, MONDO:0011721, OMIM 606768.
Inborn genetic diseases. Identifiers: MedGen C0950123, MeSH D030342.

Allele frequency attached by ClinVar (database versions not stated): ExAC 0.00001; gnomAD 0.00001; gnomAD exomes 0.00001; TOPMed 0.00001.
gnomAD v4.1: 15 of 1,614,030 alleles (0.00093%); highest among the groups gnomAD compares: East Asian, 0.0022%; no homozygotes.

Submissions (6):

Ambry Genetics
Classification: Likely benign for Inborn genetic diseases. Last evaluated: 2025-12-09. Review status: criteria provided, single submitter. Criteria: Ambry Variant Classification Scheme 2023. Collection method: clinical testing. Allele origin: germline.

Labcorp Genetics (formerly Invitae), Labcorp
Classification: Uncertain significance for Neuromuscular disease caused by qualitative or quantitative defects of dysferlin. Last evaluated: 2021-08-26. Review status: criteria provided, single submitter. Criteria: Invitae Variant Classification Sherloc (09022015). Collection method: clinical testing. Allele origin: germline.
Comment: This sequence change replaces valine with isoleucine at codon 1403 of the DYSF protein (p.Val1403Ile). The valine residue is weakly conserved and there is a small physicochemical difference between valine and isoleucine. This variant is present in population databases (rs767049254, ExAC 0.002%). This variant has not been reported in the literature in individuals affected with DYSF-related conditions. ClinVar contains an entry for this variant (Variation ID: 501040). Advanced modeling of protein sequence and biophysical properties (such as structural, functional, and spatial information, amino acid conservation, physicochemical variation, residue mobility, and thermodynamic stability) performed at Invitae indicates that this missense variant is not expected to disrupt DYSF protein function. In summary, the available evidence is currently insufficient to determine the role of this variant in disease. Therefore, it has been classified as a Variant of Uncertain Significance.

Centre for Mendelian Genomics, University Medical Centre Ljubljana
Classification: Uncertain significance for Distal myopathy with anterior tibial onset. Last evaluated: 2019-03-21. Review status: criteria provided, single submitter. Criteria: ACMG Guidelines, 2015. Collection method: clinical testing. Allele origin: unknown. Affected: yes.
Comment: This variant was classified as: Uncertain significance. The available evidence on this variant's pathogenicity is insufficient or conflicting. The following ACMG criteria were applied in classifying this variant: PM2,BP4. This variant was detected in homozygous state.

Illumina Laboratory Services, Illumina
Classification: Uncertain significance for Qualitative or quantitative defects of dysferlin. Last evaluated: 2018-01-12. Review status: criteria provided, single submitter. Criteria: ICSL Variant Classification Criteria 13 December 2019. Collection method: clinical testing. Allele origin: germline.

CeGaT Center for Human Genetics Tuebingen
Classification: Likely benign. Last evaluated: 2017-12-01. Review status: criteria provided, single submitter. Criteria: CeGaT Center For Human Genetics Tuebingen Variant Classification Criteria Version 2. Collection method: clinical testing. Allele origin: germline. Affected: yes. Observed: 2 variant alleles.

Eurofins Ntd Llc (ga)
Classification: Uncertain significance. Last evaluated: 2017-03-28. Review status: criteria provided, single submitter. Criteria: EGL Classification Definitions 2015. Collection method: clinical testing. Allele origin: germline. Observed: 1 variant allele, 1 heterozygote.